The following is an entry in ClinVar:

NC_000019.9:g.(?_55670410)_(55678036_?)dup

Genes: DNAAF3-AS1 (DNAAF3 antisense RNA 1; plus strand), DNAAF3 (dynein axonemal assembly factor 3; minus strand), LOC130065090 (ATAC-STARR-seq lymphoblastoid silent region 11016; plus strand). Cytogenetic location: 19q13.42.
Variant type: Duplication.
Identifiers: ClinVar variation 584384 (VCV000584384.1).

ClinVar aggregate classification (germline): Uncertain significance (1 of 4 stars; one submission).

Conditions:
Primary ciliary dyskinesia. Also called: Ciliary dyskinesia. Identifiers: Orphanet 244, MedGen C0008780, MONDO:0016575, HP:0012265.

Submission:

Labcorp Genetics (formerly Invitae), Labcorp
Classification: Uncertain significance for Ciliary dyskinesia. Last evaluated: 2018-02-05. Review status: criteria provided, single submitter. Criteria: Invitae Variant Classification Sherloc (09022015). Collection method: clinical testing. Allele origin: germline.
Comment: A gross duplication of the genomic region encompassing the full coding sequence of the DNAAF3 gene has been identified. The boundaries of this event are unknown as the duplication extends beyond the assayed region for this gene and therefore may encompass additional genes. As the precise location of this duplication is unknown, it may be in tandem or it may be located elsewhere in the genome. This variant has not been reported in the literature in individuals with DNAAF3-related disease. Experimental studies and prediction algorithms are not available for this variant, and the functional significance of an additional copy of the DNAAF3 gene is currently unknown. In summary, the available evidence is currently insufficient to determine the role of this variant in disease. Therefore, it has been classified as a Variant of Uncertain Significance.